The following is an entry in ClinVar:

NM_198253.3(TERT):c.2575C>T (p.Arg859Trp)

Gene: TERT (telomerase reverse transcriptase; minus strand). Cytogenetic location: 5p15.33.
Variant type: single nucleotide variant.
Coding change: c.2575C>T on transcript NM_198253.3 (MANE Select); coding-DNA position 2575, C replaced by T.
Protein change: p.Arg859Trp; replaces arginine 859 with tryptophan.
Molecular consequence: missense variant. On other transcripts: non-coding transcript variant (2).
Genome position (GRCh38, 1-based): chr5:1,268,527, G>A on the plus strand (C>T on the coding strand, the complement: TERT is on the minus strand). VCF-style: chr5-1268527-G-A. GRCh37 (hg19) VCF-style: chr5-1268642-G-A.
Other names: c.2575C>T, p.Arg859Trp (NM_001193376.3); short protein forms R859W.
Identifiers: ClinVar variation 229310 (VCV000229310.15), dbSNP rs876658018, ClinGen allele CA10576646.

ClinVar aggregate classification (germline): Uncertain significance. Review status: criteria provided, multiple submitters, no conflicts (2 of 4 stars). 3 submissions from 3 submitters: Uncertain significance (3). Last evaluated 2026-07-10.

Conditions:
Idiopathic Pulmonary Fibrosis. Also called: Idiopathic fibrosing alveolitis, chronic form; idiopathic fibrosing alveolitis. Identifiers: Orphanet 2032, MedGen C1800706, MeSH D054990, MONDO:0800504.
Dyskeratosis congenita, autosomal dominant 2. Identifiers: MedGen C3151443, MONDO:0013521, OMIM 613989.
Dyskeratosis congenita. Identifiers: Orphanet 1775, MedGen C0265965, MONDO:0015780.

Allele frequency attached by ClinVar (database versions not stated): TOPMed 0.00001.
gnomAD v4.1: 1 of 1,613,280 alleles (0.000062%); highest among the groups gnomAD compares: Non-Finnish European, 0.000085%; no homozygotes.

Submissions (3):

Ambry Genetics
Classification: Uncertain significance for Dyskeratosis congenita. Last evaluated: 2026-07-10. Review status: criteria provided, single submitter. Criteria: Ambry Variant Classification Scheme 2023. Collection method: clinical testing. Allele origin: germline.
Comment: The c.2575C>T (p.R859W) alteration is located in exon 9 (coding exon 9) of the TERT gene. This alteration results from a C to T substitution at nucleotide position 2575, causing the arginine (R) at amino acid position 859 to be replaced by a tryptophan (W). This variant was not reported in population-based cohorts in the Genome Aggregation Database (gnomAD). This amino acid position is poorly conserved in available vertebrate species. In silico splice site analysis for this alteration is inconclusive. Based on insufficient or conflicting evidence, the clinical significance of this alteration remains unclear.

Labcorp Genetics (formerly Invitae), Labcorp
Classification: Uncertain significance for Dyskeratosis congenita, autosomal dominant 2; Idiopathic Pulmonary Fibrosis. Last evaluated: 2023-04-29. Review status: criteria provided, single submitter. Criteria: Invitae Variant Classification Sherloc (09022015). Collection method: clinical testing. Allele origin: germline.
Comment: This sequence change replaces arginine, which is basic and polar, with tryptophan, which is neutral and slightly polar, at codon 859 of the TERT protein (p.Arg859Trp). This variant is not present in population databases (gnomAD no frequency). This variant has not been reported in the literature in individuals affected with TERT-related conditions. ClinVar contains an entry for this variant (Variation ID: 229310). Advanced modeling of protein sequence and biophysical properties (such as structural, functional, and spatial information, amino acid conservation, physicochemical variation, residue mobility, and thermodynamic stability) has been performed at Invitae for this missense variant, however the output from this modeling did not meet the statistical confidence thresholds required to predict the impact of this variant on TERT protein function. In summary, the available evidence is currently insufficient to determine the role of this variant in disease. Therefore, it has been classified as a Variant of Uncertain Significance.

Laboratory for Molecular Medicine, Mass General Brigham Personalized Medicine
Classification: Uncertain significance. Last evaluated: 2015-04-15. Review status: criteria provided, single submitter. Criteria: LMM Criteria. Collection method: clinical testing. Allele origin: germline. Observed: 1 variant allele.
Comment: The p.Arg859Trp variant in TERT has not been previously reported in individuals with pulmonary disease or in large population studies. Computational prediction tools and conservation analysis do not provide strong support for or against an impact to the protein, though Arginine (Arg) at residue 859 is not well conserve d. In summary, the clinical significance of the p.Arg859Trp variant is uncertain .